The following is an entry in ClinVar:

NM_182961.4(SYNE1):c.16277C>T (p.Thr5426Met)

Gene: SYNE1 (spectrin repeat containing nuclear envelope protein 1; minus strand). Cytogenetic location: 6q25.2.
Variant type: single nucleotide variant.
Coding change: c.16277C>T on transcript NM_182961.4 (MANE Select); coding-DNA position 16277, C replaced by T.
Protein change: p.Thr5426Met; replaces threonine 5426 with methionine.
Molecular consequence: missense variant.
Genome position (GRCh38, 1-based): chr6:152,318,975, G>A on the plus strand (C>T on the coding strand, the complement: SYNE1 is on the minus strand). VCF-style: chr6-152318975-G-A. GRCh37 (hg19) VCF-style: chr6-152640110-G-A.
Other names: p.Thr5355Met; c.16064C>T, p.Thr5355Met (NM_033071.5); short protein forms T5355M, T5426M.
Identifiers: ClinVar variation 130410 (VCV000130410.25), dbSNP rs2306914, ClinGen allele CA155379.

ClinVar aggregate classification (germline): Benign/Likely benign. Review status: criteria provided, multiple submitters, no conflicts (2 of 4 stars). 11 submissions from 10 submitters: Benign (5); Likely benign (2). 4 of the submissions do not count toward it. Last evaluated 2026-02-01.

Conditions:
Emery-Dreifuss muscular dystrophy 4, autosomal dominant (EDMD4). Also called: EMERY-DREIFUSS MUSCULAR DYSTROPHY 4 WITH VARIABLE FEATURES. Identifiers: Orphanet 261, MedGen C2751807, MONDO:0013071, OMIM 612998.
Autosomal recessive ataxia, Beauce type. Also called: SYNE1-Related Autosomal Recessive Cerebellar Ataxia; ATAXIA, RECESSIVE, OF BEAUCE; Spinocerebellar ataxia, autosomal recessive 8; SYNE1 Deficiency. Identifiers: Orphanet 88644, MedGen C1853116, MONDO:0012549, OMIM 610743.

Allele frequency attached by ClinVar (database versions not stated): TOPMed 0.02819; ExAC 0.03942; gnomAD 0.02635 and 0.02831; gnomAD exomes 0.03363 and 0.04096; 1000 Genomes Project 30x 0.04232; ESP Exome Variant Server 0.01999; 1000 Genomes Project 0.04633.
gnomAD v4.1: 53,471 of 1,614,120 alleles (3.3%); highest among the groups gnomAD compares: East Asian, 15%; 1,416 homozygotes.

Submissions (11):

Labcorp Genetics (formerly Invitae), Labcorp
Classification: Benign for Emery-Dreifuss muscular dystrophy 4, autosomal dominant; Autosomal recessive ataxia, Beauce type. Last evaluated: 2026-02-01. Review status: criteria provided, single submitter. Criteria: Invitae Variant Classification Sherloc (09022015). Collection method: clinical testing. Allele origin: germline.

Illumina Laboratory Services, Illumina
Classification: Benign for Emery-Dreifuss muscular dystrophy 4, autosomal dominant. Last evaluated: 2018-01-12. Review status: criteria provided, single submitter. Criteria: ICSL Variant Classification Criteria 13 December 2019. Collection method: clinical testing. Allele origin: germline.
Comment: This variant was observed in the ICSL laboratory as part of a predisposition screen in an ostensibly healthy population. It had not been previously curated by ICSL or reported in the Human Gene Mutation Database (HGMD: prior to June 1st, 2018), and was therefore a candidate for classification through an automated scoring system. Utilizing variant allele frequency, disease prevalence and penetrance estimates, and inheritance mode, an automated score was calculated to assess if this variant is too frequent to cause the disease. Based on the score and internal cut-off values, a variant classified as benign is not then subjected to further curation. The score for this variant resulted in a classification of benign for this disease.

Illumina Laboratory Services, Illumina
Classification: Benign for Autosomal recessive ataxia, Beauce type. Last evaluated: 2018-01-12. Review status: criteria provided, single submitter. Criteria: ICSL Variant Classification Criteria 13 December 2019. Collection method: clinical testing. Allele origin: germline.
Comment: the same text as in the submission from Illumina Laboratory Services, Illumina above.

Mayo Clinic Laboratories, Mayo Clinic
Classification: Benign. Last evaluated: 2017-10-11. Review status: criteria provided, single submitter. Criteria: ACMG Guidelines, 2015. Collection method: clinical testing. Allele origin: germline. Observed: 59 variant alleles.

GeneDx
Classification: Benign. Last evaluated: 2016-01-28. Review status: criteria provided, single submitter. Criteria: GeneDx Variant Classification (06012015). Collection method: clinical testing. Allele origin: germline. Affected: yes.
Comment: This variant is considered likely benign or benign based on one or more of the following criteria: it is a conservative change, it occurs at a poorly conserved position in the protein, it is predicted to be benign by multiple in silico algorithms, and/or has population frequency not consistent with disease.

Breakthrough Genomics
Classification: Likely benign. Review status: criteria provided, single submitter. Criteria: ACMG Guidelines, 2015. Collection method: not provided. Allele origin: germline. Inheritance: Autosomal recessive inheritance. Affected: yes.

PreventionGenetics, part of Exact Sciences
Classification: Likely benign. Review status: criteria provided, single submitter. Criteria: ACMG Guidelines, 2015. Collection method: clinical testing. Allele origin: germline.

Clinical Genetics DNA and cytogenetics Diagnostics Lab, Erasmus MC, Erasmus Medical Center
Classification: Benign. Review status: no assertion criteria provided. Collection method: clinical testing. Allele origin: germline. Affected: yes. Study: VKGL Data-share Consensus. Not counted in ClinVar's aggregate classification.

Clinical Genetics, Academic Medical Center
Classification: Benign. Review status: no assertion criteria provided. Collection method: clinical testing. Allele origin: germline. Affected: yes. Study: VKGL Data-share Consensus. Not counted in ClinVar's aggregate classification.

Genetic Services Laboratory, University of Chicago
Classification: Likely benign for AllHighlyPenetrant. Review status: no assertion criteria provided. Collection method: clinical testing. Allele origin: germline. Inheritance: Autosomal dominant inheritance. Not counted in ClinVar's aggregate classification.
Comment: Likely benign based on allele frequency in 1000 Genomes Project or ESP global frequency and its presence in a patient with a rare or unrelated disease phenotype. NOT Sanger confirmed.

Laboratory of Diagnostic Genome Analysis, Leiden University Medical Center (LUMC)
Classification: Likely benign. Review status: no assertion criteria provided. Collection method: clinical testing. Allele origin: germline. Affected: yes. Study: VKGL Data-share Consensus. Not counted in ClinVar's aggregate classification.